The following is an entry in ClinVar:

ClinVar aggregate classification (germline): Pathogenic (1 of 4 stars; one submission).

Conditions:
Melnick-Fraser syndrome (BOR). Also called: Branchiootorenal syndrome; Branchiootorenal Syndrome (BORS); Branchio-oto-renal syndrome. Identifiers: Orphanet 107, MedGen C0265234, MONDO:0007029.

Submission:

Labcorp Genetics (formerly Invitae), Labcorp
Classification: Pathogenic for Melnick-Fraser syndrome. Last evaluated: 2021-10-20. Review status: criteria provided, single submitter. Criteria: Invitae Variant Classification Sherloc (09022015). Collection method: clinical testing. Allele origin: germline.
Comment: For these reasons, this variant has been classified as Pathogenic. This variant disrupts a region of the EYA1 protein in which other variant(s) (p.Arg440Gln, also known as p.Arg407Gln) have been determined to be pathogenic (PMID: 10464653, 15146463, 18220287, 21280147, 28832562). This suggests that this is a clinically significant region of the protein, and that variants that disrupt it are likely to be disease-causing. This variant has not been reported in the literature in individuals affected with EYA1-related conditions. This variant is a gross deletion of the genomic region encompassing exon(s) 4-18 of the EYA1 gene, which includes the termination codon. This deletion extends beyond the assayed region for this gene and therefore may encompass additional genes. While this deletion is not anticipated to lead to nonsense mediated decay, it is expected to alter mRNA translation or result in a truncated protein product.

Literature cited by the submitters: PubMed 10464653; PubMed 15146463; PubMed 18220287; PubMed 21280147; PubMed 28832562.

NC_000008.10:g.(?_72111575)_(72246429_?)del

Gene: EYA1 (EYA transcriptional coactivator and phosphatase 1; minus strand). Cytogenetic location: 8q13.3.
Variant type: Deletion.
Identifiers: ClinVar variation 2423180 (VCV002423180.4).